The following is an entry in ClinVar:

NM_000552.5(VWF):c.5336G>T (p.Arg1779Leu)

Gene: VWF (von Willebrand factor; minus strand). Cytogenetic location: 12p13.31.
Variant type: single nucleotide variant.
Coding change: c.5336G>T on transcript NM_000552.5 (MANE Select); coding-DNA position 5336, G replaced by T.
Protein change: p.Arg1779Leu; replaces arginine 1779 with leucine.
Molecular consequence: missense variant.
Genome position (GRCh38, 1-based): chr12:6,016,208, C>A on the plus strand (G>T on the coding strand, the complement: VWF is on the minus strand). VCF-style: chr12-6016208-C-A. GRCh37 (hg19) VCF-style: chr12-6125374-C-A.
Other names: NM_000552.5:c.5336G>T; short protein forms R1779L.
Identifiers: ClinVar variation 3393380 (VCV003393380.1).

ClinVar aggregate classification (germline): Uncertain significance (3 of 4 stars; one submission).

Conditions:
von Willebrand disease type 2M (VWD2M). Identifiers: Orphanet 166090, MedGen C1282974, MONDO:0015630.

Submission:

ClinGen von Willebrand Disease Variant Curation Expert Panel, ClinGen
Classification: Uncertain significance for von Willebrand disease type 2M. Last evaluated: 2024-08-13. Review status: reviewed by expert panel. Criteria: ClinGen VWD 2A B M Rules. Collection method: curation. Allele origin: germline. Inheritance: Autosomal dominant inheritance.
Comment: The NM_000552.5(VWF):c.5336G>T (p.Arg1779Leu) missense variant has been reported in at least 2 unrelated probands with excessive mucocutaneous bleeding as well as a laboratory phenotype of low VWF:RCo/VWF:Ag ratio and low collagen binding, which together are specific for VWD Type 2M (PS4_Supporting, PMID: 28971901). At least 1 reported proband displayed excessive mucocutaneous bleeding as well as a laboratory phenotype of low VWF:RCo/VWF:Ag ratio, low collagen binding, and normal VWF high-MW multimers, which together are highly specific for VWD Type 2M (PP4_Moderate, PMID: 29924855). Low FVIII activity, an inconsistent phenotype, was also reported in these patients, as well as low VWF antigen, leading in two cases to a diagnosis of VWD Type 1 (PMID: 28971901). The computational predictor REVEL gives a score of 0.659, which is above the ClinGen VWD VCEP threshold of >0.644 and predicts a damaging effect on VWF function (PP3). The Grpmax filtering allele frequency in gnomAD v4.1 is 0 (based on 1/60024 alleles in the Admixed American population), which is lower than the ClinGen VWD VCEP threshold of <0.0001 (PM2_Supporting). In summary, the variant meets the criteria to be classified as a Variant of Uncertain Significance for von Willebrand disease type 2M based on the ACMG/AMP criteria applied, as specified by the ClinGen VWD VCEP: PS4_Supporting, PP4_Moderate, PP3, and PM2_Supporting.